The following is an entry in ClinVar:

ClinVar aggregate classification (germline): Conflicting classifications of pathogenicity. Review status: criteria provided, conflicting classifications (1 of 4 stars). 3 submissions from 3 submitters: Uncertain significance (2); Likely benign (1). Last evaluated 2026-03-05.

Conditions:
Retinitis pigmentosa 58 (RP58). Identifiers: Orphanet 791, MedGen C3150879, MONDO:0013328, OMIM 613617.
ZNF513-related disorder. Also called: ZNF513-related condition.

Allele frequency attached by ClinVar (database versions not stated): TOPMed 0.00004; 1000 Genomes Project 30x 0.00016.

Submissions (3):

PreventionGenetics, part of Exact Sciences
Classification: Likely benign for ZNF513-related condition. Last evaluated: 2026-03-05. Review status: criteria provided, single submitter. Criteria: ACMG Guidelines, 2015. Collection method: clinical testing. Allele origin: germline.
Comment: This variant is classified as likely benign based on ACMG/AMP sequence variant interpretation guidelines (Richards et al. 2015 PMID: 25741868, with internal and published modifications).

Labcorp Genetics (formerly Invitae), Labcorp
Classification: Uncertain significance. Last evaluated: 2025-07-28. Review status: criteria provided, single submitter. Criteria: Invitae Variant Classification Sherloc (09022015). Collection method: clinical testing. Allele origin: germline.
Comment: This sequence change replaces proline, which is neutral and non-polar, with serine, which is neutral and polar, at codon 142 of the ZNF513 protein (p.Pro142Ser). This variant is present in population databases (rs756624166, gnomAD 0.2%), and has an allele count higher than expected for a pathogenic variant. This variant has not been reported in the literature in individuals affected with ZNF513-related conditions. ClinVar contains an entry for this variant (Variation ID: 1011278). An algorithm developed to predict the effect of missense changes on protein structure and function (PolyPhen-2) suggests that this variant is likely to be disruptive. In summary, the available evidence is currently insufficient to determine the role of this variant in disease. Therefore, it has been classified as a Variant of Uncertain Significance.

Department of Pathology and Laboratory Medicine, Sinai Health System
Classification: Uncertain significance for Retinitis pigmentosa 58. Last evaluated: 2020-08-21. Review status: criteria provided, single submitter. Criteria: ACMG Guidelines, 2015. Collection method: research. Allele origin: germline.

NM_144631.6(ZNF513):c.424C>T (p.Pro142Ser)

Gene: ZNF513 (zinc finger protein 513; minus strand). Cytogenetic location: 2p23.3.
Variant type: single nucleotide variant.
Coding change: c.424C>T on transcript NM_144631.6 (MANE Select); coding-DNA position 424, C replaced by T.
Protein change: p.Pro142Ser; replaces proline 142 with serine.
Molecular consequence: missense variant.
Genome position (GRCh38, 1-based): chr2:27,378,842, G>A on the plus strand (C>T on the coding strand, the complement: ZNF513 is on the minus strand). VCF-style: chr2-27378842-G-A. GRCh37 (hg19) VCF-style: chr2-27601709-G-A.
Other names: c.238C>T, p.Pro80Ser (NM_001201459.2); c.424C>T (NM_144631.5); short protein forms P142S, P80S.
Identifiers: ClinVar variation 1011278 (VCV001011278.9), dbSNP rs756624166, ClinGen allele CA1578058.
Genomic context (GRCh38, chr2:27,378,842, plus strand): 5'-AGTAGTGGGACACGAAGGTGCAGAGGCGGCATGAGTACAGTAGCCGTGGGGGCAGCAGGG[G>A]CCCCCCACCCGGCCCTCCTGCCCCACAACACGGCCCCTCACCTGTCGGCCCCCCACACAG-3'
Protein context (NP_653232.3, residues 132-152): CCGAGGPGGG[Pro142Ser]LLPPRLLYSC